The following is an entry in ClinVar:

NM_001035.3(RYR2):c.9017+1G>C

Gene: RYR2 (ryanodine receptor 2; plus strand). Cytogenetic location: 1q43.
Variant type: single nucleotide variant.
Coding change: c.9017+1G>C on transcript NM_001035.3 (MANE Select); the canonical splice donor site of the intron after coding-DNA position 9017, G replaced by C.
Molecular consequence: splice donor variant.
Genome position (GRCh38, 1-based): chr1:237,680,578, G>C. VCF-style: chr1-237680578-G-C. GRCh37 (hg19) VCF-style: chr1-237843878-G-C.
Identifiers: ClinVar variation 3385810 (VCV003385810.2).
Genomic context (GRCh38, chr1:237,680,578, plus strand): 5'-AAGCAGACCTCTCTGCTCTGGAGGACATGCTTCCAACAAAGAGAAAGAAATGGTGACTAG[G>C]TAAACAGCTATAAAAATAAGCACTGTTGTATGACTTAGGTGTATATGCAGTTGCAAAGAA-3'

ClinVar aggregate classification (germline): Uncertain significance. Review status: criteria provided, multiple submitters, no conflicts (2 of 4 stars). 2 submissions from 2 submitters: Uncertain significance (2). Last evaluated 2025-02-26.

Conditions:
Catecholaminergic polymorphic ventricular tachycardia 1. Also called: VENTRICULAR TACHYCARDIA, CATECHOLAMINERGIC POLYMORPHIC, 1, WITH OR WITHOUT ATRIAL DYSFUNCTION AND/OR DILATED CARDIOMYOPATHY; VENTRICULAR TACHYCARDIA, STRESS-INDUCED POLYMORPHIC 1; RYR2-Related Catecholaminergic Polymorphic Ventricular Tachycardia. Identifiers: Orphanet 3286, MedGen C1631597, MONDO:0011484, OMIM 604772.
Catecholaminergic polymorphic ventricular tachycardia (CVPT). Also called: Catecholamine-induced polymorphic ventricular tachycardia. Identifiers: Orphanet 3286, MedGen C5574922, MONDO:0017990.

gnomAD v4.1: 1 of 1,595,696 alleles (0.000063%); highest among the groups gnomAD compares: Non-Finnish European, 0.000085%; no homozygotes.

Submissions (2):

Labcorp Genetics (formerly Invitae), Labcorp
Classification: Uncertain significance for Catecholaminergic polymorphic ventricular tachycardia 1. Last evaluated: 2025-02-26. Review status: criteria provided, single submitter. Criteria: Invitae Variant Classification Sherloc (09022015). Collection method: clinical testing. Allele origin: germline.
Comment: This sequence change affects a donor splice site in intron 62 of the RYR2 gene. It is expected to disrupt RNA splicing. Variants that disrupt the donor or acceptor splice site typically lead to a loss of protein function (PMID: 16199547), however the current clinical and genetic evidence is not sufficient to establish whether loss-of-function variants in RYR2 cause disease. This variant is not present in population databases (gnomAD no frequency). This variant has not been reported in the literature in individuals affected with RYR2-related conditions. ClinVar contains an entry for this variant (Variation ID: 3385810). Algorithms developed to predict the effect of sequence changes on RNA splicing suggest that this variant may disrupt the consensus splice site. In summary, the available evidence is currently insufficient to determine the role of this variant in disease. Therefore, it has been classified as a Variant of Uncertain Significance.

All of Us Research Program, National Institutes of Health
Classification: Uncertain significance for Catecholaminergic polymorphic ventricular tachycardia. Last evaluated: 2024-07-15. Review status: criteria provided, single submitter. Criteria: ACMG Guidelines, 2015. Collection method: clinical testing. Allele origin: germline. Inheritance: Autosomal dominant inheritance. Observed: 1 variant allele, 1 heterozygote.
Comment: This study involves interpretation of variants in research participants for the purpose of population health screening. Participant phenotype was not available at the time of variant classification. Additional details can be found in publication PMID: 35346344, PMCID: PMC8962531

Literature cited by the submitters: PubMed 16199547 (cited by Labcorp Genetics (formerly Invitae), Labcorp).